The following is an entry in ClinVar:

NM_018109.4(MTPAP):c.47C>G (p.Ala16Gly)

Genes: MTPAP (mitochondrial poly(A) polymerase; minus strand), LOC130003598 (ATAC-STARR-seq lymphoblastoid active region 3207; plus strand). Cytogenetic location: 10p11.23.
Variant type: single nucleotide variant.
Coding change: c.47C>G on transcript NM_018109.4 (MANE Select); coding-DNA position 47, C replaced by G.
Protein change: p.Ala16Gly; replaces alanine 16 with glycine.
Molecular consequence: missense variant.
Genome position (GRCh38, 1-based): chr10:30,349,229, G>C on the plus strand (C>G on the coding strand, the complement: MTPAP is on the minus strand). VCF-style: chr10-30349229-G-C. GRCh37 (hg19) VCF-style: chr10-30638158-G-C.
Other names: short protein forms A16G.
Identifiers: ClinVar variation 1959144 (VCV001959144.5), dbSNP rs2132875590, ClinGen allele CA376429939.
Genomic context (GRCh38, chr10:30,349,229, plus strand): 5'-ACAGTTCCTGGGCAACTCAAAAGCCTGACGATAGGCCGCTGGACTCGAGTTCTTCTCCGG[G>C]CACACAGGTTCAAACGGGTCAAGAGCCCCACGCCGGGAACCGCCATTGCTAAAAAAAAAA-3'
Protein context (NP_060579.3, residues 6-26): VGLLTRLNLC[Ala16Gly]RRRTRVQRPI

ClinVar aggregate classification (germline): Uncertain significance (1 of 4 stars; one submission).

Submission:

Labcorp Genetics (formerly Invitae), Labcorp
Classification: Uncertain significance. Last evaluated: 2022-07-25. Review status: criteria provided, single submitter. Criteria: Invitae Variant Classification Sherloc (09022015). Collection method: clinical testing. Allele origin: germline.
Comment: In summary, the available evidence is currently insufficient to determine the role of this variant in disease. Therefore, it has been classified as a Variant of Uncertain Significance. Algorithms developed to predict the effect of missense changes on protein structure and function (SIFT, PolyPhen-2, Align-GVGD) all suggest that this variant is likely to be tolerated. This variant has not been reported in the literature in individuals affected with MTPAP-related conditions. This variant is not present in population databases (gnomAD no frequency). This sequence change replaces alanine, which is neutral and non-polar, with glycine, which is neutral and non-polar, at codon 16 of the MTPAP protein (p.Ala16Gly).